The following is an entry in ClinVar:

NM_000452.3(SLC10A2):c.559C>G (p.Pro187Ala)

Gene: SLC10A2 (solute carrier family 10 member 2; minus strand). Cytogenetic location: 13q33.1.
Variant type: single nucleotide variant.
Coding change: c.559C>G on transcript NM_000452.3 (MANE Select); coding-DNA position 559, C replaced by G.
Protein change: p.Pro187Ala; replaces proline 187 with alanine.
Molecular consequence: missense variant.
Genome position (GRCh38, 1-based): chr13:103,052,646, G>C on the plus strand (C>G on the coding strand, the complement: SLC10A2 is on the minus strand). VCF-style: chr13-103052646-G-C. GRCh37 (hg19) VCF-style: chr13-103704996-G-C.
Other names: short protein forms P187A.
Identifiers: ClinVar variation 2871884 (VCV002871884.3), dbSNP rs576655877, ClinGen allele CA255205527.

ClinVar aggregate classification (germline): Uncertain significance (1 of 4 stars; one submission).

Allele frequency attached by ClinVar (database versions not stated): TOPMed 0.00003.

Submission:

Labcorp Genetics (formerly Invitae), Labcorp
Classification: Uncertain significance. Last evaluated: 2023-03-18. Review status: criteria provided, single submitter. Criteria: Invitae Variant Classification Sherloc (09022015). Collection method: clinical testing. Allele origin: germline.
Comment: This variant is not present in population databases (gnomAD no frequency). This sequence change replaces proline, which is neutral and non-polar, with alanine, which is neutral and non-polar, at codon 187 of the SLC10A2 protein (p.Pro187Ala). This variant has not been reported in the literature in individuals affected with SLC10A2-related conditions. Advanced modeling of protein sequence and biophysical properties (such as structural, functional, and spatial information, amino acid conservation, physicochemical variation, residue mobility, and thermodynamic stability) performed at Invitae indicates that this missense variant is not expected to disrupt SLC10A2 protein function. In summary, the available evidence is currently insufficient to determine the role of this variant in disease. Therefore, it has been classified as a Variant of Uncertain Significance.